The following is an entry in ClinVar:

ClinVar aggregate classification (germline): Uncertain significance (1 of 4 stars; one submission).

Allele frequency attached by ClinVar (database versions not stated): gnomAD exomes 0.00003.

Submission:

Labcorp Genetics (formerly Invitae), Labcorp
Classification: Uncertain significance. Last evaluated: 2021-10-12. Review status: criteria provided, single submitter. Criteria: Invitae Variant Classification Sherloc (09022015). Collection method: clinical testing. Allele origin: germline.
Comment: This sequence change replaces glutamic acid with glutamine at codon 161 of the NCSTN protein (p.Glu161Gln). The glutamic acid residue is weakly conserved and there is a small physicochemical difference between glutamic acid and glutamine. This variant is not present in population databases (ExAC no frequency). In summary, the available evidence is currently insufficient to determine the role of this variant in disease. Therefore, it has been classified as a Variant of Uncertain Significance. Algorithms developed to predict the effect of missense changes on protein structure and function output the following: SIFT: "Tolerated"; PolyPhen-2: "Benign"; Align-GVGD: "Class C0". The glutamine amino acid residue is found in multiple mammalian species, which suggests that this missense change does not adversely affect protein function. This variant has not been reported in the literature in individuals affected with NCSTN-related conditions.

NM_015331.3(NCSTN):c.481G>C (p.Glu161Gln)

Gene: NCSTN (nicastrin; plus strand). Cytogenetic location: 1q23.2.
Variant type: single nucleotide variant.
Coding change: c.481G>C on transcript NM_015331.3 (MANE Select); coding-DNA position 481, G replaced by C.
Protein change: p.Glu161Gln; replaces glutamic acid 161 with glutamine.
Molecular consequence: missense variant.
Genome position (GRCh38, 1-based): chr1:160,350,149, G>C. VCF-style: chr1-160350149-G-C. GRCh37 (hg19) VCF-style: chr1-160319939-G-C.
Other names: c.421G>C, p.Glu141Gln (NM_001290184.2); c.481G>C, p.Glu161Gln (NM_001290186.2, NM_001349729.2); short protein forms E161Q, E141Q.
Identifiers: ClinVar variation 1413404 (VCV001413404.6), dbSNP rs1648756039, ClinGen allele CA343277714.
Genomic context (GRCh38, chr1:160,350,149, plus strand): 5'-CCATCCTTCCCTTCAGGTGTTTACTCCAATTCCTATGGGCCAGAGTTTGCTCACTGCAGA[G>C]AAATACAGTGGAATTCGCTGGGCAATGGTTTGGCTTATGAAGACTTTAGTTTCCCCATCT-3'
Protein context (NP_056146.1, residues 151-171): SYGPEFAHCR[Glu161Gln]IQWNSLGNGL